The following is an entry in ClinVar:

ClinVar aggregate classification (germline): Conflicting classifications of pathogenicity. Review status: criteria provided, conflicting classifications (1 of 4 stars). 4 submissions from 4 submitters: Uncertain significance (1); Likely benign (3). Last evaluated 2024-04-30.

Conditions:
Cardiovascular phenotype. Identifiers: MedGen CN230736.

Allele frequency attached by ClinVar (database versions not stated): gnomAD exomes below 0.00001; gnomAD 0.00001; TOPMed 0.00001.
gnomAD v4.1: 8 of 1,614,036 alleles (0.0005%); highest among the groups gnomAD compares: African/African-American, 0.0027%; no homozygotes.

Submissions (4):

Labcorp Genetics (formerly Invitae), Labcorp
Classification: Likely benign. Last evaluated: 2024-04-30. Review status: criteria provided, single submitter. Criteria: Invitae Variant Classification Sherloc (09022015). Collection method: clinical testing. Allele origin: germline.

Women's Health and Genetics/Laboratory Corporation of America, LabCorp
Classification: Likely benign. Last evaluated: 2023-07-18. Review status: criteria provided, single submitter. Criteria: LabCorp Variant Classification Summary - May 2015. Collection method: clinical testing. Allele origin: germline.

Ambry Genetics
Classification: Likely benign for Cardiovascular phenotype. Last evaluated: 2021-05-19. Review status: criteria provided, single submitter. Criteria: Ambry Variant Classification Scheme 2023. Collection method: clinical testing. Allele origin: germline.

GeneDx
Classification: Uncertain significance. Last evaluated: 2019-07-22. Review status: criteria provided, single submitter. Criteria: GeneDx Variant Classification Process June 2021. Collection method: clinical testing. Allele origin: germline. Affected: yes.
Comment: Has not been previously published as pathogenic or benign to our knowledge; Not observed at a significant frequency in large population cohorts (Lek et al., 2016); In-silico analysis, which includes splice predictors and evolutionary conservation, is inconclusive as to whether the variant alters gene splicing. In the absence of RNA/functional studies, the actual effect of this sequence change is unknown.

NM_005502.4(ABCA1):c.4482A>G (p.Ala1494=)

Gene: ABCA1 (ATP binding cassette subfamily A member 1; minus strand). Cytogenetic location: 9q31.1.
Variant type: single nucleotide variant.
Coding change: c.4482A>G on transcript NM_005502.4 (MANE Select); coding-DNA position 4482, A replaced by G.
Protein change: p.Ala1494=; no amino-acid change (alanine 1494 retained).
Molecular consequence: synonymous variant.
Genome position (GRCh38, 1-based): chr9:104,804,703, T>C on the plus strand (A>G on the coding strand, the complement: ABCA1 is on the minus strand). VCF-style: chr9-104804703-T-C. GRCh37 (hg19) VCF-style: chr9-107566984-T-C.
Identifiers: ClinVar variation 1307119 (VCV001307119.7), dbSNP rs1250688041, ClinGen allele CA466504218.